The following is an entry in ClinVar:

NM_016222.4(DDX41):c.1134G>A (p.Met378Ile)

Gene: DDX41 (DEAD-box helicase 41; minus strand). Cytogenetic location: 5q35.3.
Variant type: single nucleotide variant.
Coding change: c.1134G>A on transcript NM_016222.4 (MANE Select); coding-DNA position 1134, G replaced by A.
Protein change: p.Met378Ile; replaces methionine 378 with isoleucine.
Molecular consequence: missense variant.
Genome position (GRCh38, 1-based): chr5:177,513,449, C>T on the plus strand (G>A on the coding strand, the complement: DDX41 is on the minus strand). VCF-style: chr5-177513449-C-T. GRCh37 (hg19) VCF-style: chr5-176940450-C-T.
Other names: c.756G>A, p.Met252Ile (NM_001321732.2, NM_001321830.2); short protein forms M252I, M378I.
Identifiers: ClinVar variation 3839057 (VCV003839057.1).
Genomic context (GRCh38, chr5:177,513,449, plus strand): 5'-CACATTGATGGTCACAGGCTTTACAAGGGCACTCTTAGCAAAGTTCTGAATCTTCTTCGG[C>T]ATGGTGGCACTGAAGAGCAGGGTCTGTCGCTGGCCCTGAGGAAGAGGGGGGCTGCGACCA-3'
Protein context (NP_057306.2, residues 368-388): QRQTLLFSAT[Met378Ile]PKKIQNFAKS

ClinVar aggregate classification (germline): Uncertain significance (1 of 4 stars; one submission).

Conditions:
Inborn genetic diseases. Identifiers: MedGen C0950123, MeSH D030342.

Submission:

Ambry Genetics
Classification: Uncertain significance for Inborn genetic diseases. Last evaluated: 2025-03-13. Review status: criteria provided, single submitter. Criteria: Ambry Variant Classification Scheme 2023. Collection method: clinical testing. Allele origin: germline.
Comment: The p.M378I variant (also known as c.1134G>A), located in coding exon 11 of the DDX41 gene, results from a G to A substitution at nucleotide position 1134. The methionine at codon 378 is replaced by isoleucine, an amino acid with highly similar properties. This amino acid position is highly conserved in available vertebrate species. In addition, this alteration is predicted to be deleterious by in silico analysis. Based on the available evidence, the clinical significance of this variant remains unclear.